The following is an entry in ClinVar:

NM_001614.5(ACTG1):c.-6-14C>G

Gene: ACTG1 (actin gamma 1; minus strand). Cytogenetic location: 17q25.3.
Variant type: single nucleotide variant.
Coding change: c.-6-14C>G on transcript NM_001614.5 (MANE Select); 14 bases into the intron before 6 bases upstream of the start codon, C replaced by G.
Molecular consequence: intron variant.
Genome position (GRCh38, 1-based): chr17:81,512,374, G>C on the plus strand (C>G on the coding strand, the complement: ACTG1 is on the minus strand). VCF-style: chr17-81512374-G-C. GRCh37 (hg19) VCF-style: chr17-79479400-G-C.
Other names: c.-6-14C>G (NM_001199954.3).
Identifiers: ClinVar variation 381505 (VCV000381505.1), dbSNP rs188773798, ClinGen allele CA8836445.

ClinVar aggregate classification (germline): Likely benign (1 of 4 stars; one submission).

Allele frequency attached by ClinVar (database versions not stated): TOPMed 0.00002.
gnomAD v4.1: 65 of 1,613,762 alleles (0.004%); highest among the groups gnomAD compares: South Asian, 0.057%; 1 homozygote.

Submission:

GeneDx
Classification: Likely benign. Last evaluated: 2015-11-19. Review status: criteria provided, single submitter. Criteria: GeneDx Variant Classification (06012015). Collection method: clinical testing. Allele origin: germline. Affected: yes.
Comment: This variant is considered likely benign or benign based on one or more of the following criteria: it is a conservative change, it occurs at a poorly conserved position in the protein, it is predicted to be benign by multiple in silico algorithms, and/or has population frequency not consistent with disease.